The following is an entry in ClinVar:

ClinVar aggregate classification (germline): Uncertain significance. Review status: criteria provided, multiple submitters, no conflicts (2 of 4 stars). 2 submissions from 2 submitters: Uncertain significance (2). Last evaluated 2022-03-17.

Conditions:
Hereditary cancer-predisposing syndrome. Also called: Tumor predisposition; Neoplastic Syndromes, Hereditary; Hereditary Cancer Syndrome; Hereditary neoplastic syndrome. Identifiers: Orphanet 140162, MedGen C0027672, MeSH D009386, MONDO:0015356.
Ataxia-telangiectasia syndrome (AT). Also called: Cerebello-oculocutaneous telangiectasia; Immunodeficiency with ataxia telangiectasia; ATAXIA-TELANGIECTASIA, COMPLEMENTATION GROUP A; Ataxia-telangiectasia, complementation group D; AT, COMPLEMENTATION GROUP C; ATAXIA-TELANGIECTASIA, FRESNO VARIANT. Identifiers: Orphanet 100, MedGen C0004135, MONDO:0008840, OMIM 208900.

Submissions (2):

Labcorp Genetics (formerly Invitae), Labcorp
Classification: Uncertain significance for Ataxia-telangiectasia syndrome. Last evaluated: 2022-03-17. Review status: criteria provided, single submitter. Criteria: Invitae Variant Classification Sherloc (09022015). Collection method: clinical testing. Allele origin: germline.
Comment: ClinVar contains an entry for this variant (Variation ID: 478985). Advanced modeling of protein sequence and biophysical properties (such as structural, functional, and spatial information, amino acid conservation, physicochemical variation, residue mobility, and thermodynamic stability) performed at Invitae indicates that this missense variant is not expected to disrupt ATM protein function. In summary, the available evidence is currently insufficient to determine the role of this variant in disease. Therefore, it has been classified as a Variant of Uncertain Significance. This variant is not present in population databases (gnomAD no frequency). This variant has not been reported in the literature in individuals affected with ATM-related conditions. This sequence change replaces aspartic acid, which is acidic and polar, with tyrosine, which is neutral and polar, at codon 317 of the ATM protein (p.Asp317Tyr).

Ambry Genetics
Classification: Uncertain significance for Hereditary cancer-predisposing syndrome. Last evaluated: 2016-05-10. Review status: criteria provided, single submitter. Criteria: Ambry Variant Classification Scheme 2023. Collection method: clinical testing. Allele origin: germline.
Comment: The p.D317Y variant (also known as c.949G>T), located in coding exon 7 of the ATM gene, results from a G to T substitution at nucleotide position 949. The aspartic acid at codon 317 is replaced by tyrosine, an amino acid with highly dissimilar properties. This variant was not reported in population based cohorts in the following databases: Database of Single Nucleotide Polymorphisms (dbSNP), NHLBI Exome Sequencing Project (ESP), and 1000 Genomes Project. In the ESP, this variant was not observed in 6498 samples (12996 alleles) with coverage at this position. To date, this alteration has been detected with an allele frequency of approximately 0.001% (greater than 125000 alleles tested) in our clinical cohort. This amino acid position is highly conserved in available vertebrate species. In addition, this alteration is predicted to be deleterious by in silico analysis. Since supporting evidence is limited at this time, the clinical significance of this alteration remains unclear.

NM_000051.4(ATM):c.949G>T (p.Asp317Tyr)

Gene: ATM (ATM serine/threonine kinase; plus strand). Cytogenetic location: 11q22.3.
Variant type: single nucleotide variant.
Coding change: c.949G>T on transcript NM_000051.4 (MANE Select); coding-DNA position 949, G replaced by T.
Protein change: p.Asp317Tyr; replaces aspartic acid 317 with tyrosine.
Molecular consequence: missense variant.
Genome position (GRCh38, 1-based): chr11:108,247,011, G>T. VCF-style: chr11-108247011-G-T. GRCh37 (hg19) VCF-style: chr11-108117738-G-T.
Other names: c.949G>T, p.Asp317Tyr (NM_001351834.2); short protein forms D317Y.
Identifiers: ClinVar variation 478985 (VCV000478985.10), dbSNP rs1445292591, ClinGen allele CA382530854.